The following is an entry in ClinVar:

NM_138387.4(G6PC3):c.482G>A (p.Arg161Gln)

Gene: G6PC3 (glucose-6-phosphatase catalytic subunit 3; plus strand). Cytogenetic location: 17q21.31.
Variant type: single nucleotide variant.
Coding change: c.482G>A on transcript NM_138387.4 (MANE Select); coding-DNA position 482, G replaced by A.
Protein change: p.Arg161Gln; replaces arginine 161 with glutamine.
Molecular consequence: missense variant. On other transcripts: intron variant (1).
Genome position (GRCh38, 1-based): chr17:44,075,034, G>A. VCF-style: chr17-44075034-G-A. GRCh37 (hg19) VCF-style: chr17-42152402-G-A.
Other names: c.137G>A, p.Arg46Gln (NM_001384165.1, NM_001384166.1, NM_001384167.1 and 1 more transcripts); c.416+264G>A (NM_001319945.2); short protein forms R161Q, R46Q.
Identifiers: ClinVar variation 3356656 (VCV003356656.6).

ClinVar aggregate classification (germline): Pathogenic/Likely pathogenic. Review status: criteria provided, multiple submitters, no conflicts (2 of 4 stars). 5 submissions from 5 submitters: Pathogenic (2); Likely pathogenic (2). 1 of the submissions does not count toward it. Last evaluated 2025-09-08.

Conditions:
G6PC3-related disorders.
Autosomal recessive severe congenital neutropenia due to G6PC3 deficiency. Also called: NEUTROPENIA, SEVERE CONGENITAL, 4, AUTOSOMAL RECESSIVE; G6PC3 Deficiency. Identifiers: Orphanet 331176, MedGen C2751630, MONDO:0012930, OMIM 612541.
G6PC3-related disorder. Also called: G6PC3-related condition.

gnomAD v4.1: 12 of 1,614,136 alleles (0.00074%); highest among the groups gnomAD compares: South Asian, 0.0033%; no homozygotes.

Submissions (5):

Labcorp Genetics (formerly Invitae), Labcorp
Classification: Pathogenic for Autosomal recessive severe congenital neutropenia due to G6PC3 deficiency. Last evaluated: 2025-09-08. Review status: criteria provided, single submitter. Criteria: Invitae Variant Classification Sherloc (09022015). Collection method: clinical testing. Allele origin: germline.
Comment: This sequence change replaces arginine, which is basic and polar, with glutamine, which is neutral and polar, at codon 161 of the G6PC3 protein (p.Arg161Gln). This variant is present in population databases (no rsID available, gnomAD 0.006%). This missense change has been observed in individuals with G6PC3 deficiency (PMID: 22050868, 27577878, 36190223; internal data). ClinVar contains an entry for this variant (Variation ID: 3356656). Invitae Evidence Modeling of protein sequence and biophysical properties (such as structural, functional, and spatial information, amino acid conservation, physicochemical variation, residue mobility, and thermodynamic stability) indicates that this missense variant is expected to disrupt G6PC3 protein function with a positive predictive value of 95%. Experimental studies have shown that this missense change affects G6PC3 function (PMID: 25492228). Algorithms developed to predict the effect of sequence changes on RNA splicing suggest that this variant may disrupt the consensus splice site. This variant disrupts the p.Arg161 amino acid residue in G6PC3. Other variant(s) that disrupt this residue have been observed in individuals with G6PC3-related conditions (PMID: 35838821), which suggests that this may be a clinically significant amino acid residue. For these reasons, this variant has been classified as Pathogenic.

Women's Health and Genetics/Laboratory Corporation of America, LabCorp
Classification: Pathogenic for Autosomal recessive severe congenital neutropenia due to G6PC3 deficiency. Last evaluated: 2024-12-27. Review status: criteria provided, single submitter. Criteria: LabCorp Variant Classification Summary - May 2015. Collection method: clinical testing. Allele origin: germline.
Comment: Variant summary: G6PC3 c.482G>A (p.Arg161Gln) results in a conservative amino acid change in the encoded protein sequence. Four of five in-silico tools predict a damaging effect of the variant on protein function. The variant allele was found at a frequency of 8e-06 in 251492 control chromosomes. c.482G>A has been reported in the literature in individuals affected with Autosomal Recessive Severe Congenital Neutropenia Due To G6PC3 Deficiency or Primary immunodeficiency diseases (Boztug_2012, Stray-Pedersen_2016). These data indicate that the variant is likely to be associated with disease. At least one publication reports experimental evidence evaluating an impact on protein function. The most pronounced variant effect results in <10% of normal activity (Lin_2015). The following publications have been ascertained in the context of this evaluation (PMID: 22050868, 25492228, 36190223, 27577878). ClinVar contains an entry for this variant (Variation ID: 3356656). Based on the evidence outlined above, the variant was classified as pathogenic.

Department of Pathology and Laboratory Medicine, Sinai Health System
Classification: Likely pathogenic for Autosomal recessive severe congenital neutropenia due to G6PC3 deficiency. Last evaluated: 2023-08-15. Review status: criteria provided, single submitter. Criteria: ACMG Guidelines, 2015. Collection method: research. Allele origin: germline.

Blueprint Genetics
Classification: Likely pathogenic for G6PC3-related disorders. Last evaluated: 2021-08-25. Review status: criteria provided, single submitter. Criteria: ACMG Guidelines, 2015. Collection method: clinical testing. Allele origin: germline. Affected: yes. Observed: 3 variant alleles.

PreventionGenetics, part of Exact Sciences
Classification: Pathogenic for G6PC3-related condition. Last evaluated: 2024-08-22. Review status: no assertion criteria provided. Collection method: clinical testing. Allele origin: germline. Not counted in ClinVar's aggregate classification.
Comment: The G6PC3 c.482G>A variant is predicted to result in the amino acid substitution p.Arg161Gln. This variant has been reported in homozygous or compound heterozygous states in individuals with primary immunodeficiency disorders including severe congenital neutropenia (Boztug et al. 2012. PubMed ID: 22050868; Table E1 and Figure E5. Stray-Pedersen et al. 2016. PubMed ID: 27577878) and has also been found in other patients at PreventionGenetics. The p.Arg161Gln substitution has also been shown to decrease G6PC3 protein activity in a functional assay (Lin et al. 2014. PubMed ID: 25492228). This variant is reported in 0.0065% of alleles in individuals of South Asian descent in gnomAD. This variant is interpreted as pathogenic.

Literature cited by the submitters: PubMed 22050868 (cited by Labcorp Genetics (formerly Invitae), Labcorp and Women's Health and Genetics/Laboratory Corporation of America, LabCorp); PubMed 27577878 (cited by Labcorp Genetics (formerly Invitae), Labcorp and Women's Health and Genetics/Laboratory Corporation of America, LabCorp); PubMed 36190223 (cited by Labcorp Genetics (formerly Invitae), Labcorp and Women's Health and Genetics/Laboratory Corporation of America, LabCorp); PubMed 25492228 (cited by Labcorp Genetics (formerly Invitae), Labcorp and Women's Health and Genetics/Laboratory Corporation of America, LabCorp); PubMed 35838821 (cited by Labcorp Genetics (formerly Invitae), Labcorp).